The following is an entry in ClinVar:

NM_006231.4(POLE):c.6352A>G (p.Ile2118Val)

Gene: POLE (DNA polymerase epsilon, catalytic subunit; minus strand). Cytogenetic location: 12q24.33.
Variant type: single nucleotide variant.
Coding change: c.6352A>G on transcript NM_006231.4 (MANE Select); coding-DNA position 6352, A replaced by G.
Protein change: p.Ile2118Val; replaces isoleucine 2118 with valine.
Molecular consequence: missense variant.
Genome position (GRCh38, 1-based): chr12:132,626,296, T>C on the plus strand (A>G on the coding strand, the complement: POLE is on the minus strand). VCF-style: chr12-132626296-T-C. GRCh37 (hg19) VCF-style: chr12-133202882-T-C.
Other names: short protein forms I2118V.
Identifiers: ClinVar variation 5027110 (VCV005027110.1).
Genomic context (GRCh38, chr12:132,626,296, plus strand): 5'-ACTCGCCGACATCCACCAGGCGAAGCAGGTCTCGGTTCAGCTTATTCACCTGGTTTGTGA[T>C]GTTGGTGTCCAGGGACAGCACCTGCAGAGACCACAGCCCACATCGGGAAGGAGCTCCCGG-3'
Protein context (NP_006222.2, residues 2108-2128): VCKVLSLDTN[Ile2118Val]TNQVNKLNRD

ClinVar aggregate classification (germline): Uncertain significance (1 of 4 stars; one submission).

Conditions:
Hereditary cancer-predisposing syndrome. Also called: Neoplastic Syndromes, Hereditary; Tumor predisposition; Hereditary neoplastic syndrome; Hereditary Cancer Syndrome. Identifiers: Orphanet 140162, MedGen C0027672, MeSH D009386, MONDO:0015356.

Submission:

Ambry Genetics
Classification: Uncertain significance for Hereditary cancer-predisposing syndrome. Last evaluated: 2026-08-11. Review status: criteria provided, single submitter. Criteria: Ambry Variant Classification Scheme 2023. Collection method: clinical testing. Allele origin: germline.
Comment: The p.I2118V variant (also known as c.6352A>G), located in coding exon 46 of the POLE gene, results from an A to G substitution at nucleotide position 6352. The isoleucine at codon 2118 is replaced by valine, an amino acid with highly similar properties. This amino acid position is conserved. In addition, this alteration is predicted to be tolerated by in silico analysis. Based on the available evidence, the clinical significance of this variant remains unclear.